The following is an entry in ClinVar:

ClinVar aggregate classification (germline): Uncertain significance. Review status: criteria provided, multiple submitters, no conflicts (2 of 4 stars). 2 submissions from 2 submitters: Uncertain significance (2). Last evaluated 2025-04-04.

Allele frequency attached by ClinVar (database versions not stated): gnomAD 0.00001; gnomAD exomes 0.00001; ExAC 0.00002; TOPMed 0.00002; 1000 Genomes Project 30x 0.00016.
gnomAD v4.1: 12 of 1,614,062 alleles (0.00074%); highest among the groups gnomAD compares: African/African-American, 0.0027%; no homozygotes.

Submissions (2):

Ambry Genetics
Classification: Uncertain significance. Last evaluated: 2025-04-04. Review status: criteria provided, single submitter. Criteria: Ambry Variant Classification Scheme 2023. Collection method: clinical testing. Allele origin: germline.

Labcorp Genetics (formerly Invitae), Labcorp
Classification: Uncertain significance. Last evaluated: 2025-03-24. Review status: criteria provided, single submitter. Criteria: Invitae Variant Classification Sherloc (09022015). Collection method: clinical testing. Allele origin: germline.
Comment: This sequence change replaces asparagine, which is neutral and polar, with serine, which is neutral and polar, at codon 364 of the CLUAP1 protein (p.Asn364Ser). This variant is present in population databases (rs778250347, gnomAD 0.004%). This variant has not been reported in the literature in individuals affected with CLUAP1-related conditions. ClinVar contains an entry for this variant (Variation ID: 943481). An algorithm developed to predict the effect of missense changes on protein structure and function (PolyPhen-2) suggests that this variant is likely to be tolerated. In summary, the available evidence is currently insufficient to determine the role of this variant in disease. Therefore, it has been classified as a Variant of Uncertain Significance.

NM_015041.3(CLUAP1):c.1091A>G (p.Asn364Ser)

Gene: CLUAP1 (clusterin associated protein 1; plus strand). Cytogenetic location: 16p13.3.
Variant type: single nucleotide variant.
Coding change: c.1091A>G on transcript NM_015041.3 (MANE Select); coding-DNA position 1091, A replaced by G.
Protein change: p.Asn364Ser; replaces asparagine 364 with serine.
Molecular consequence: missense variant.
Genome position (GRCh38, 1-based): chr16:3,532,840, A>G. VCF-style: chr16-3532840-A-G. GRCh37 (hg19) VCF-style: chr16-3582840-A-G.
Other names: c.593A>G, p.Asn198Ser (NM_024793.3); c.1091A>G, p.Asn364Ser (NM_001330454.2); c.1091A>G (NM_015041.1); short protein forms N364S, N198S.
Identifiers: ClinVar variation 943481 (VCV000943481.11), dbSNP rs778250347, ClinGen allele CA7863988.